The following is an entry in ClinVar:

ClinVar aggregate classification (germline): Uncertain significance (1 of 4 stars; one submission).

Allele frequency attached by ClinVar (database versions not stated): TOPMed 0.00001; gnomAD 0.00001; gnomAD exomes below 0.00001.
gnomAD v4.1: 2 of 1,614,114 alleles (0.00012%); highest among the groups gnomAD compares: Admixed American, 0.0017%; no homozygotes.

Submission:

Labcorp Genetics (formerly Invitae), Labcorp
Classification: Uncertain significance. Last evaluated: 2021-03-25. Review status: criteria provided, single submitter. Criteria: Invitae Variant Classification Sherloc (09022015). Collection method: clinical testing. Allele origin: germline.
Comment: This sequence change creates a premature translational stop signal (p.Lys287*) in the PPCS gene. While this is not anticipated to result in nonsense mediated decay, it is expected to disrupt the last 25 amino acid(s) of the PPCS protein. This variant is not present in population databases (ExAC no frequency). This variant has not been reported in the literature in individuals with PPCS-related conditions. Experimental studies and prediction algorithms are not available or were not evaluated, and the functional significance of this variant is currently unknown. In summary, the available evidence is currently insufficient to determine the role of this variant in disease. Therefore, it has been classified as a Variant of Uncertain Significance.

NM_024664.4(PPCS):c.859A>T (p.Lys287Ter)

Genes: CCDC30 (coiled-coil domain containing 30; plus strand), PPCS (phosphopantothenoylcysteine synthetase; plus strand). Cytogenetic location: 1p34.2.
Variant type: single nucleotide variant.
Coding change: c.859A>T on transcript NM_024664.4 (MANE Select); coding-DNA position 859, A replaced by T.
Protein change: p.Lys287Ter; replaces lysine 287 with a stop codon.
Molecular consequence: nonsense. On other transcripts: intron variant (2).
Genome position (GRCh38, 1-based): chr1:42,459,849, A>T. VCF-style: chr1-42459849-A-T. GRCh37 (hg19) VCF-style: chr1-42925520-A-T.
Other names: c.340A>T, p.Lys114Ter (NM_001077447.3, NM_001287506.1, NM_001287508.2 and 2 more transcripts); c.241A>T, p.Lys81Ter (NM_001287507.1); c.-880+2499A>T (NM_001355226.2); c.612+2499A>T (NM_001287511.2); short protein forms K287*, K114*, K81*.
Identifiers: ClinVar variation 1488595 (VCV001488595.8), dbSNP rs961368391, ClinGen allele CA21219370.